The following is an entry in ClinVar:

NM_001148.6(ANK2):c.10254A>C (p.Arg3418Ser)

Gene: ANK2 (ankyrin 2; plus strand). Cytogenetic location: 4q26.
Variant type: single nucleotide variant.
Coding change: c.10254A>C on transcript NM_001148.6 (MANE Select); coding-DNA position 10254, A replaced by C.
Protein change: p.Arg3418Ser; replaces arginine 3418 with serine.
Molecular consequence: missense variant. On other transcripts: intron variant (68).
Genome position (GRCh38, 1-based): chr4:113,358,872, A>C. VCF-style: chr4-113358872-A-C. GRCh37 (hg19) VCF-style: chr4-114280028-A-C.
Other names: c.10020A>C, p.Arg3340Ser (NM_001386142.1); c.6654A>C, p.Arg2218Ser (NM_001386166.1); c.10395A>C, p.Arg3465Ser (NM_001386174.1); c.10371A>C, p.Arg3457Ser (NM_001386175.1); c.4412-1951A>C (NM_001386186.2, NM_001386148.2); c.4214-1951A>C (NM_001354269.3); c.4292-1951A>C (NM_001386187.2); c.4253-1951A>C (NM_001386147.1); and 35 more; short protein forms R3418S, R2218S, R3340S, R3457S, R3465S.
Identifiers: ClinVar variation 347342 (VCV000347342.11), dbSNP rs200605861, ClinGen allele CA3052046.

ClinVar aggregate classification (germline): Uncertain significance. Review status: criteria provided, multiple submitters, no conflicts (2 of 4 stars). 3 submissions from 3 submitters: Uncertain significance (3). Last evaluated 2022-05-02.

Conditions:
Cardiovascular phenotype. Identifiers: MedGen CN230736.
Long QT syndrome (LQTS). Identifiers: MedGen C0023976, MeSH D008133, MONDO:0002442. Disease mechanism: loss of function. Inheritance: Various modes of inheritance.
Cardiac arrhythmia, ankyrin-B-related. Also called: ANKYRIN-B SYNDROME. Identifiers: Orphanet 101016, Orphanet 768, MedGen C1970119, MONDO:0010958, OMIM 600919.

Allele frequency attached by ClinVar (database versions not stated): gnomAD 0.00001; gnomAD exomes 0.00002 and 0.00008; ExAC 0.00013.
gnomAD v4.1: 41 of 1,614,012 alleles (0.0025%); highest among the groups gnomAD compares: Non-Finnish European, 0.0011%; no homozygotes.

Submissions (3):

Ambry Genetics
Classification: Uncertain significance for Cardiovascular phenotype. Last evaluated: 2022-05-02. Review status: criteria provided, single submitter. Criteria: Ambry Variant Classification Scheme 2023. Collection method: clinical testing. Allele origin: germline.
Comment: The p.R3418S variant (also known as c.10254A>C), located in coding exon 38 of the ANK2 gene, results from an A to C substitution at nucleotide position 10254. The arginine at codon 3418 is replaced by serine, an amino acid with dissimilar properties. This amino acid position is conserved. In addition, this alteration is predicted to be tolerated by in silico analysis. Since supporting evidence is limited at this time, the clinical significance of this alteration remains unclear.

Labcorp Genetics (formerly Invitae), Labcorp
Classification: Uncertain significance for Long QT syndrome. Last evaluated: 2018-06-26. Review status: criteria provided, single submitter. Criteria: Invitae Variant Classification Sherloc (09022015). Collection method: clinical testing. Allele origin: germline.
Comment: Algorithms developed to predict the effect of missense changes on protein structure and function (SIFT, PolyPhen-2, Align-GVGD) all suggest that this variant is likely to be tolerated, but these predictions have not been confirmed by published functional studies and their clinical significance is uncertain. This variant has not been reported in the literature in individuals with ANK2-related disease. ClinVar contains an entry for this variant (Variation ID: 347342). This variant is present in population databases (rs200605861, ExAC 0.08%), and has an allele count higher than expected for a pathogenic variant (PMID: 28166811). This sequence change replaces arginine with serine at codon 3418 of the ANK2 protein (p.Arg3418Ser). The arginine residue is weakly conserved and there is a moderate physicochemical difference between arginine and serine. In summary, the available evidence is currently insufficient to determine the role of this variant in disease. Therefore, it has been classified as a Variant of Uncertain Significance.

Illumina Laboratory Services, Illumina
Classification: Uncertain significance for Cardiac arrhythmia, ankyrin-B-related. Last evaluated: 2018-01-13. Review status: criteria provided, single submitter. Criteria: ICSL Variant Classification Criteria 13 December 2019. Collection method: clinical testing. Allele origin: germline.

Literature cited by the submitters: PubMed 28166811 (cited by Labcorp Genetics (formerly Invitae), Labcorp).